The following is an entry in ClinVar:

NC_012920.1(MT-ND2):m.5149C>T

Gene: MT-ND2 (mitochondrially encoded NADH dehydrogenase 2; plus strand).
Variant type: single nucleotide variant.
Genome position: chrM-5149-C-T.
Identifiers: ClinVar variation 692549 (VCV000692549.1), dbSNP rs1603219806, ClinGen allele CA414779088.

ClinVar aggregate classification (germline): Likely benign (1 of 4 stars; one submission).

Conditions:
Leigh syndrome (NULS). Also called: Leigh's necrotizing encephalopathy; Leigh's disease; Leigh Syndrome (mtDNA deletion); Leigh Disease; Subacute necrotizing encephalopathy; Necrotizing encephalopathy infantile subacute of Leigh. Identifiers: Orphanet 506, MedGen C2931891, MONDO:0009723, OMIM 256000.

Submission:

Wong Mito Lab, Molecular and Human Genetics, Baylor College of Medicine
Classification: Likely benign for Leigh syndrome. Last evaluated: 2019-10-17. Review status: criteria provided, single submitter. Criteria: Modified ACMG Guidelines (Unpublished). Collection method: clinical testing. Allele origin: germline.
Comment: The NC_012920.1:m.5149C>T (YP_003024027.1:p.Thr227Ile) variant in MTND2 gene is interpretated to be a Likely Benign variant based on the modified ACMG guidelines (unpublished). This variant meets the following evidence codes: BS1, BP4

Literature cited by the submitters: PubMed 11820805.